The following is an entry in ClinVar:

ClinVar aggregate classification (germline): Pathogenic (1 of 4 stars; one submission).

Submission:

Labcorp Genetics (formerly Invitae), Labcorp
Classification: Pathogenic. Last evaluated: 2021-08-19. Review status: criteria provided, single submitter. Criteria: Invitae Variant Classification Sherloc (09022015). Collection method: clinical testing. Allele origin: germline.
Comment: This variant is a gross deletion of the genomic region encompassing exon(s) 1-6 of the CYP17A1 gene, which includes the initiator codon. This deletion extends beyond the assayed region for this gene and therefore may encompass additional genes. It is expected to result in an absent or disrupted protein product. Loss-of-function variants in CYP17A1 are known to be pathogenic (PMID: 17192295, 20197673, 24140098). A similar copy number variant has been observed in individual(s) with CYP17A1-related conditions (PMID: 29595516). For these reasons, this variant has been classified as Pathogenic.

Literature cited by the submitters: PubMed 17192295; PubMed 20197673; PubMed 24140098; PubMed 29595516.

NC_000010.10:g.(?_104592258)_(104597718_?)del

Gene: CYP17A1 (cytochrome P450 family 17 subfamily A member 1; minus strand). Cytogenetic location: 10q24.32.
Variant type: Deletion.
Identifiers: ClinVar variation 1454523 (VCV001454523.3).